The following is an entry in ClinVar:

ClinVar aggregate classification (germline): Uncertain significance. Review status: criteria provided, multiple submitters, no conflicts (2 of 4 stars). 2 submissions from 2 submitters: Uncertain significance (2). Last evaluated 2024-01-23.

Conditions:
Nephronophthisis 15 (NPHP15). Identifiers: Orphanet 3156, MedGen C3541853, MONDO:0013917, OMIM 614845.
Inborn genetic diseases. Identifiers: MedGen C0950123, MeSH D030342.

Allele frequency attached by ClinVar (database versions not stated): gnomAD exomes below 0.00001; ExAC 0.00001; TOPMed 0.00001; gnomAD 0.00003.
gnomAD v4.1: 8 of 1,614,030 alleles (0.0005%); highest among the groups gnomAD compares: African/African-American, 0.004%; no homozygotes.

Submissions (2):

Ambry Genetics
Classification: Uncertain significance for Inborn genetic diseases. Last evaluated: 2024-01-23. Review status: criteria provided, single submitter. Criteria: Ambry Variant Classification Scheme 2023. Collection method: clinical testing. Allele origin: germline.

Labcorp Genetics (formerly Invitae), Labcorp
Classification: Uncertain significance for Nephronophthisis 15. Last evaluated: 2022-11-15. Review status: criteria provided, single submitter. Criteria: Invitae Variant Classification Sherloc (09022015). Collection method: clinical testing. Allele origin: germline.
Comment: In summary, the available evidence is currently insufficient to determine the role of this variant in disease. Therefore, it has been classified as a Variant of Uncertain Significance. Advanced modeling of protein sequence and biophysical properties (such as structural, functional, and spatial information, amino acid conservation, physicochemical variation, residue mobility, and thermodynamic stability) performed at Invitae indicates that this missense variant is not expected to disrupt CEP164 protein function. This variant has not been reported in the literature in individuals affected with CEP164-related conditions. This variant is present in population databases (rs746318663, gnomAD 0.004%). This sequence change replaces threonine, which is neutral and polar, with isoleucine, which is neutral and non-polar, at codon 578 of the CEP164 protein (p.Thr578Ile).

NM_014956.5(CEP164):c.1733C>T (p.Thr578Ile)

Gene: CEP164 (centrosomal protein 164; plus strand). Cytogenetic location: 11q23.3.
Variant type: single nucleotide variant.
Coding change: c.1733C>T on transcript NM_014956.5 (MANE Select); coding-DNA position 1733, C replaced by T.
Protein change: p.Thr578Ile; replaces threonine 578 with isoleucine.
Molecular consequence: missense variant.
Genome position (GRCh38, 1-based): chr11:117,387,211, C>T. VCF-style: chr11-117387211-C-T. GRCh37 (hg19) VCF-style: chr11-117257927-C-T.
Other names: c.1742C>T, p.Thr581Ile (NM_001271933.2); c.1733C>T (NM_014956.4); short protein forms T578I, T581I.
Identifiers: ClinVar variation 2420196 (VCV002420196.5), dbSNP rs746318663, ClinGen allele CA6294854.